The following is an entry in ClinVar:

NM_001085049.3(MRAS):c.538C>G (p.Pro180Ala)

Gene: MRAS (muscle RAS oncogene homolog; plus strand). Cytogenetic location: 3q22.3.
Variant type: single nucleotide variant.
Coding change: c.538C>G on transcript NM_001085049.3 (MANE Select); coding-DNA position 538, C replaced by G.
Protein change: p.Pro180Ala; replaces proline 180 with alanine.
Molecular consequence: missense variant.
Genome position (GRCh38, 1-based): chr3:138,402,180, C>G. VCF-style: chr3-138402180-C-G. GRCh37 (hg19) VCF-style: chr3-138121022-C-G.
Other names: c.538C>G, p.Pro180Ala (NM_001252090.2, NM_012219.4); c.310C>G, p.Pro104Ala (NM_001252091.1, NM_001252092.2, NM_001252093.2); short protein forms P104A, P180A.
Identifiers: ClinVar variation 2118744 (VCV002118744.4), dbSNP rs2474169596, ClinGen allele CA354677536.

ClinVar aggregate classification (germline): Uncertain significance (1 of 4 stars; one submission).

Submission:

Labcorp Genetics (formerly Invitae), Labcorp
Classification: Uncertain significance. Last evaluated: 2022-03-28. Review status: criteria provided, single submitter. Criteria: Invitae Variant Classification Sherloc (09022015). Collection method: clinical testing. Allele origin: germline.
Comment: In summary, the available evidence is currently insufficient to determine the role of this variant in disease. Therefore, it has been classified as a Variant of Uncertain Significance. Algorithms developed to predict the effect of missense changes on protein structure and function are either unavailable or do not agree on the potential impact of this missense change (SIFT: "Deleterious"; PolyPhen-2: "Benign"; Align-GVGD: "Class C25"). This variant has not been reported in the literature in individuals affected with MRAS-related conditions. This variant is not present in population databases (gnomAD no frequency). This sequence change replaces proline, which is neutral and non-polar, with alanine, which is neutral and non-polar, at codon 180 of the MRAS protein (p.Pro180Ala).